The following is an entry in ClinVar:

NC_012920.1(MT-TG):m.10005A>T

Gene: MT-TG (mitochondrially encoded tRNA glycine; plus strand).
Variant type: single nucleotide variant.
Genome position: chrM-10005-A-T.
Identifiers: ClinVar variation 690093 (VCV000690093.1), dbSNP rs1603222621, ClinGen allele CA913161492.

ClinVar aggregate classification (germline): Uncertain significance (1 of 4 stars; one submission).

Conditions:
MELAS syndrome (MELAS). Also called: Juvenile myopathy, encephalopathy, lactic acidosis, stroke. Identifiers: Orphanet 550, MedGen C0162671, MONDO:0010789, OMIM 540000.

Submission:

Wong Mito Lab, Molecular and Human Genetics, Baylor College of Medicine
Classification: Uncertain significance for MELAS syndrome. Last evaluated: 2019-07-12. Review status: criteria provided, single submitter. Criteria: Modified ACMG Guidelines (Unpublished). Collection method: clinical testing. Allele origin: germline.
Comment: The NC_012920.1:m.10005A>T variant in MT-TG gene is interpreted to be a Unknown Significance variant based on the modified ACMG guidelines (unpublished). This variant meets the following evidence codes reported in the guidelines: BP4, BP6, PP7

Literature cited by the submitters: PubMed 31965079.